The following is an entry in ClinVar:

NM_001928.4(CFD):c.333C>G (p.Ile111Met)

Gene: CFD (complement factor D; plus strand). Cytogenetic location: 19p13.3.
Variant type: single nucleotide variant.
Coding change: c.333C>G on transcript NM_001928.4 (MANE Select); coding-DNA position 333, C replaced by G.
Protein change: p.Ile111Met; replaces isoleucine 111 with methionine.
Molecular consequence: missense variant.
Genome position (GRCh38, 1-based): chr19:860,981, C>G. VCF-style: chr19-860981-C-G. GRCh37 (hg19) VCF-style: chr19-860981-C-G.
Other names: c.354C>G, p.Ile118Met (NM_001317335.2); short protein forms I111M, I118M.
Identifiers: ClinVar variation 3618756 (VCV003618756.1).

ClinVar aggregate classification (germline): Uncertain significance (1 of 4 stars; one submission).

gnomAD v4.1: 2 of 1,599,238 alleles (0.00013%); highest among the groups gnomAD compares: Admixed American, 0.0017%; no homozygotes.

Submission:

Labcorp Genetics (formerly Invitae), Labcorp
Classification: Uncertain significance. Last evaluated: 2024-10-17. Review status: criteria provided, single submitter. Criteria: Invitae Variant Classification Sherloc (09022015). Collection method: clinical testing. Allele origin: germline.
Comment: This sequence change replaces isoleucine, which is neutral and non-polar, with methionine, which is neutral and non-polar, at codon 111 of the CFD protein (p.Ile111Met). This variant is present in population databases (no rsID available, gnomAD 0.003%). This variant has not been reported in the literature in individuals affected with CFD-related conditions. An algorithm developed to predict the effect of missense changes on protein structure and function (PolyPhen-2) suggests that this variant¬†is likely to be tolerated. In summary, the available evidence is currently insufficient to determine the role of this variant in disease. Therefore, it has been classified as a Variant of Uncertain Significance.